The following is an entry in ClinVar:

ClinVar aggregate classification (germline): Pathogenic. Review status: criteria provided, multiple submitters, no conflicts (2 of 4 stars). 7 submissions from 7 submitters: Pathogenic (7). Last evaluated 2025-01-07.

Conditions:
Lowe syndrome (OCRL). Also called: Oculocerebrorenal Syndrome; LOWE OCULOCEREBRORENAL SYNDROME; PHOSPHATIDYLINOSITOL 4,5-BISPHOSPHATE 5-PHOSPHATASE DEFICIENCY. Identifiers: Orphanet 534, MedGen C0028860, MONDO:0010645, OMIM 309000.
Nephrolithiasis/nephrocalcinosis. Identifiers: MedGen CN580796.

Submissions (7):

GeneDx
Classification: Pathogenic. Last evaluated: 2025-01-07. Review status: criteria provided, single submitter. Criteria: GeneDx Variant Classification Process June 2021. Collection method: clinical testing. Allele origin: germline. Affected: yes.
Comment: Nonsense variant predicted to result in protein truncation or nonsense mediated decay in a gene for which loss of function is a known mechanism of disease; Not observed at significant frequency in large population cohorts (gnomAD); This variant is associated with the following publications: (PMID: 25525159, 35006361, 25326635, 21031565, 38028619, 25480730, 34586410)

Revvity Omics, Revvity
Classification: Pathogenic. Last evaluated: 2023-09-01. Review status: criteria provided, single submitter. Criteria: ACMG Guidelines, 2015. Collection method: clinical testing. Allele origin: germline.

Ambry Genetics
Classification: Pathogenic for Nephrolithiasis/nephrocalcinosis. Last evaluated: 2023-08-23. Review status: criteria provided, single submitter. Criteria: Ambry Variant Classification Scheme 2023. Collection method: clinical testing. Allele origin: germline.
Comment: The c.1621C>T (p.R541*) alteration, located in exon 16 of the OCRL gene, consists of a C to T substitution at nucleotide position 1621. This changes the amino acid from an arginine (R) to a stop codon at amino acid position 541. This alteration is expected to result in loss of function by premature protein truncation or nonsense-mediated mRNA decay. This variant was not reported in population-based cohorts in the Genome Aggregation Database (gnomAD). This variant has been reported in multiple individuals with clinical features consistent with Lowe syndrome (Hichri, 2011; Recker, 2015; Sinha, 2022; Sakakibara, 2022). Based on the available evidence, this alteration is classified as pathogenic.

Division of Human Genetics, National Health Laboratory Service/University of the Witwatersrand
Classification: Pathogenic for Lowe syndrome. Last evaluated: 2023-07-01. Review status: criteria provided, single submitter. Criteria: ACMG Guidelines, 2015. Collection method: research. Allele origin: germline. Affected: yes.

Labcorp Genetics (formerly Invitae), Labcorp
Classification: Pathogenic for Lowe syndrome. Last evaluated: 2023-02-11. Review status: criteria provided, single submitter. Criteria: Invitae Variant Classification Sherloc (09022015). Collection method: clinical testing. Allele origin: germline.
Comment: This variant is not present in population databases (gnomAD no frequency). This sequence change creates a premature translational stop signal (p.Arg541*) in the OCRL gene. It is expected to result in an absent or disrupted protein product. Loss-of-function variants in OCRL are known to be pathogenic (PMID: 19390221, 21031565, 22381590). This premature translational stop signal has been observed in individual(s) with clinical features of Lowe syndrome (PMID: 25326635, 25480730). For these reasons, this variant has been classified as Pathogenic. ClinVar contains an entry for this variant (Variation ID: 521093).

3billion
Classification: Pathogenic for Lowe syndrome. Last evaluated: 2022-03-22. Review status: criteria provided, single submitter. Criteria: ACMG Guidelines, 2015. Collection method: clinical testing. Allele origin: germline. Affected: yes. Observed: 1 hemizygote.
Comment: Stop-gained (nonsense): predicted to result in a loss or disruption of normal protein function through nonsense-mediated decay (NMD) or protein truncation. Multiple pathogenic variants are reported downstream of the variant.It is not observed in the gnomAD v2.1.1 dataset. The variant has been reported at least twice as pathogenic/likely pathogenic with clinical assertions and evidence for the classification (ClinVar ID: VCV000521093, 3billion dataset). Therefore, this variant is classified as pathogenic according to the recommendation of ACMG/AMP guideline.

Baylor Genetics
Classification: Pathogenic for Lowe syndrome. Last evaluated: 2017-09-01. Review status: criteria provided, single submitter. Criteria: ACMG Guidelines, 2015. Collection method: clinical testing. Allele origin: maternal. Inheritance: X-linked inheritance. Affected: yes.

Literature cited by the submitters: PubMed 21031565 (cited by Ambry Genetics and Labcorp Genetics (formerly Invitae), Labcorp); PubMed 25326635 (cited by 3 submitters); PubMed 25480730 (cited by Ambry Genetics and Labcorp Genetics (formerly Invitae), Labcorp); PubMed 34586410 (cited by Ambry Genetics); PubMed 35006361 (cited by Ambry Genetics); PubMed 19390221 (cited by Labcorp Genetics (formerly Invitae), Labcorp); PubMed 22381590 (cited by Labcorp Genetics (formerly Invitae), Labcorp).

NM_000276.4(OCRL):c.1621C>T (p.Arg541Ter)

Gene: OCRL (OCRL inositol polyphosphate-5-phosphatase; plus strand). Cytogenetic location: Xq26.1.
Variant type: single nucleotide variant.
Coding change: c.1621C>T on transcript NM_000276.4 (MANE Select); coding-DNA position 1621, C replaced by T.
Protein change: p.Arg541Ter; replaces arginine 541 with a stop codon.
Molecular consequence: nonsense.
Genome position (GRCh38, 1-based): chrX:129,575,158, C>T. VCF-style: chrX-129575158-C-T. GRCh37 (hg19) VCF-style: chrX-128709135-C-T.
Other names: c.1624C>T, p.Arg542Ter (NM_001318784.2); c.1621C>T, p.Arg541Ter (NM_001587.4); short protein forms R541*, R542*.
Identifiers: ClinVar variation 521093 (VCV000521093.18), dbSNP rs1182741031, ClinGen allele CA414617518.